The following is an entry in ClinVar:

ClinVar aggregate classification (germline): Uncertain significance (1 of 4 stars; one submission).

gnomAD v4.1: 20 of 1,613,782 alleles (0.0012%); highest among the groups gnomAD compares: African/African-American, 0.025%; no homozygotes.

Submission:

Women's Health and Genetics/Laboratory Corporation of America, LabCorp
Classification: Uncertain significance. Last evaluated: 2024-08-08. Review status: criteria provided, single submitter. Criteria: LabCorp Variant Classification Summary - May 2015. Collection method: clinical testing. Allele origin: germline.
Comment: Variant summary: APPL1 c.1247G>C (p.Gly416Ala) results in a non-conservative amino acid change in the encoded protein sequence. Four of five in-silico tools predict a benign effect of the variant on protein function. The variant allele was found at a frequency of 2.8e-05 in 251278 control chromosomes. The available data on variant occurrences in the general population are insufficient to allow any conclusion about variant significance. To our knowledge, no occurrence of c.1247G>C in individuals affected with Maturity-Onset Diabetes Of The Young Type 14 and no experimental evidence demonstrating its impact on protein function have been reported. No submitters have cited clinical-significance assessments for this variant to ClinVar. Based on the evidence outlined above, the variant was classified as uncertain significance.

NM_012096.3(APPL1):c.1247G>C (p.Gly416Ala)

Gene: APPL1 (adaptor protein, phosphotyrosine interacting with PH domain and leucine zipper 1; plus strand). Cytogenetic location: 3p14.3.
Variant type: single nucleotide variant.
Coding change: c.1247G>C on transcript NM_012096.3 (MANE Select); coding-DNA position 1247, G replaced by C.
Protein change: p.Gly416Ala; replaces glycine 416 with alanine.
Molecular consequence: missense variant.
Genome position (GRCh38, 1-based): chr3:57,257,051, G>C. VCF-style: chr3-57257051-G-C. GRCh37 (hg19) VCF-style: chr3-57291079-G-C.
Other names: short protein forms G416A.
Identifiers: ClinVar variation 3366384 (VCV003366384.1).